The following is an entry in ClinVar:

ClinVar aggregate classification (germline): Uncertain significance. Review status: criteria provided, multiple submitters, no conflicts (2 of 4 stars). 2 submissions from 2 submitters: Uncertain significance (2). Last evaluated 2021-09-20.

Allele frequency attached by ClinVar (database versions not stated): gnomAD 0.00001; TOPMed 0.00003.

Submissions (2):

Labcorp Genetics (formerly Invitae), Labcorp
Classification: Uncertain significance. Last evaluated: 2021-09-20. Review status: criteria provided, single submitter. Criteria: Invitae Variant Classification Sherloc (09022015). Collection method: clinical testing. Allele origin: germline.
Comment: This sequence change replaces alanine with aspartic acid at codon 95 of the SLC24A1 protein (p.Ala95Asp). The alanine residue is weakly conserved and there is a moderate physicochemical difference between alanine and aspartic acid. This variant is present in population databases (rs761763277, ExAC 0.01%). This variant has not been reported in the literature in individuals affected with SLC24A1-related conditions. Algorithms developed to predict the effect of missense changes on protein structure and function output the following: SIFT: "Tolerated"; PolyPhen-2: "Possibly Damaging"; Align-GVGD: "Class C0". The aspartic acid amino acid residue is found in multiple mammalian species, which suggests that this missense change does not adversely affect protein function. In summary, the available evidence is currently insufficient to determine the role of this variant in disease. Therefore, it has been classified as a Variant of Uncertain Significance.

Blueprint Genetics
Classification: Uncertain significance. Last evaluated: 2019-02-22. Review status: criteria provided, single submitter. Criteria: ACMG Guidelines, 2015. Collection method: clinical testing. Allele origin: germline.

NM_004727.3(SLC24A1):c.284C>A (p.Ala95Asp)

Gene: SLC24A1 (solute carrier family 24 member 1; plus strand). Cytogenetic location: 15q22.31.
Variant type: single nucleotide variant.
Coding change: c.284C>A on transcript NM_004727.3 (MANE Select); coding-DNA position 284, C replaced by A.
Protein change: p.Ala95Asp; replaces alanine 95 with aspartic acid.
Molecular consequence: missense variant.
Genome position (GRCh38, 1-based): chr15:65,624,364, C>A. VCF-style: chr15-65624364-C-A. GRCh37 (hg19) VCF-style: chr15-65916702-C-A.
Other names: c.284C>A, p.Ala95Asp (NM_001301031.1, NM_001301032.1, NM_001301033.2); short protein forms A95D.
Identifiers: ClinVar variation 1052878 (VCV001052878.8), dbSNP rs761763277, ClinGen allele CA7619725.